The following is an entry in ClinVar:

ClinVar aggregate classification (germline): Pathogenic (1 of 4 stars; one submission).

Conditions:
Autosomal recessive limb-girdle muscular dystrophy type 2O. Also called: Limb-Girdle Muscular Dystrophy Type 3C; MUSCULAR DYSTROPHY-DYSTROGLYCANOPATHY, LIMB-GIRDLE, POMGNT1-RELATED; MUSCULAR DYSTROPHY-DYSTROGLYCANOPATHY (LIMB-GIRDLE), TYPE C, 3. Identifiers: Orphanet 206564, MedGen C3150417, MONDO:0013161, OMIM 613157.
Muscular dystrophy-dystroglycanopathy (congenital with impaired intellectual development), type B, 3. Also called: Muscular dystrophy-dystroglycanopathy (congenital with intellectual disability), type B3; MUSCULAR DYSTROPHY, CONGENITAL, POMGNT1-RELATED. Identifiers: MedGen C3150412, MONDO:0013155, OMIM 613151.

Submission:

Labcorp Genetics (formerly Invitae), Labcorp
Classification: Pathogenic for Autosomal recessive limb-girdle muscular dystrophy type 2O; Muscular dystrophy-dystroglycanopathy (congenital with impaired intellectual development), type B, 3. Last evaluated: 2018-09-06. Review status: criteria provided, single submitter. Criteria: Invitae Variant Classification Sherloc (09022015). Collection method: clinical testing. Allele origin: germline.
Comment: This sequence change creates a premature translational stop signal (p.Trp4Glyfs*26) in the POMGNT1 gene. It is expected to result in an absent or disrupted protein product. This variant is not present in population databases (ExAC no frequency). This variant has not been reported in the literature in individuals with POMGNT1-related disease. Loss-of-function variants in POMGNT1 are known to be pathogenic (PMID: 19299310). For these reasons, this variant has been classified as Pathogenic.

Literature cited by the submitters: PubMed 19299310.

NM_017739.4(POMGNT1):c.10del (p.Trp4fs)

Gene: POMGNT1 (protein O-linked mannose N-acetylglucosaminyltransferase 1 (beta 1,2-); minus strand). Cytogenetic location: 1p34.1.
Variant type: Deletion.
Coding change: c.10del on transcript NM_017739.4 (MANE Select); coding-DNA position 10, one base deleted (T; older notation c.10delT).
Protein change: p.Trp4fs; shifts the reading frame from tryptophan 4.
Molecular consequence: frameshift variant.
Genome position (GRCh38, 1-based): chr1:46,197,812, A deleted on the plus strand (T on the coding strand, the reverse complement: POMGNT1 is on the minus strand). VCF-style (leftmost placement, unchanged base first): chr1-46197811-CA-C. GRCh37 (hg19) VCF-style: chr1-46663483-CA-C.
Other names: c.10del, p.Trp4fs (NM_001243766.2); c.10delT (NM_017739.3); short protein forms W4fs.
Identifiers: ClinVar variation 642652 (VCV000642652.7), dbSNP rs1571672866, ClinGen allele CA915941287.